The following is an entry in ClinVar:

NM_003870.4(IQGAP1):c.4460G>A (p.Arg1487Lys)

Gene: IQGAP1 (IQ motif containing GTPase activating protein 1; plus strand). Cytogenetic location: 15q26.1.
Variant type: single nucleotide variant.
Coding change: c.4460G>A on transcript NM_003870.4 (MANE Select); coding-DNA position 4460, G replaced by A.
Protein change: p.Arg1487Lys; replaces arginine 1487 with lysine.
Molecular consequence: missense variant.
Genome position (GRCh38, 1-based): chr15:90,491,544, G>A. VCF-style: chr15-90491544-G-A. GRCh37 (hg19) VCF-style: chr15-91034776-G-A.
Other names: short protein forms R1487K.
Identifiers: ClinVar variation 3037226 (VCV003037226.2), dbSNP rs146200248, ClinGen allele CA7737385.
Genomic context (GRCh38, chr15:90,491,544, plus strand): 5'-CAGAGCTTGGAACCGTGGACCCAAAGAACAAATACCAGGAACTGATCAACGACATTGCCA[G>A]GGTACTGCATTCGGGGGACAGAGGGGACCCGGCCTTGTTCAAAGCTGAGAGGCTCGAGAG-3'
Protein context (NP_003861.1, residues 1477-1497): KYQELINDIA[Arg1487Lys]DIRNQRRYRQ

ClinVar aggregate classification (germline): Likely benign (0 of 4 stars; one submission).

Conditions:
IQGAP1-related disorder. Also called: IQGAP1-related condition.

Allele frequency attached by ClinVar (database versions not stated): 1000 Genomes Project 0.00060; 1000 Genomes Project 30x 0.00062; TOPMed 0.00118; gnomAD 0.00121; ExAC 0.00126; ESP Exome Variant Server 0.00154; gnomAD exomes 0.00199.
gnomAD v4.1: 3,086 of 1,613,572 alleles (0.19%); highest among the groups gnomAD compares: Non-Finnish European, 0.24%; 3 homozygotes.

Submission:

PreventionGenetics, part of Exact Sciences
Classification: Likely benign for IQGAP1-related condition. Last evaluated: 2024-05-25. Review status: no assertion criteria provided. Collection method: clinical testing. Allele origin: germline.
Comment: This variant is classified as likely benign based on ACMG/AMP sequence variant interpretation guidelines (Richards et al. 2015 PMID: 25741868, with internal and published modifications).